The following is an entry in ClinVar:

NM_006493.4(CLN5):c.244C>T (p.Pro82Ser)

Gene: CLN5 (CLN5 lysosomal BMP synthase; plus strand). Cytogenetic location: 13q22.3.
Variant type: single nucleotide variant.
Coding change: c.244C>T on transcript NM_006493.4 (MANE Select); coding-DNA position 244, C replaced by T.
Protein change: p.Pro82Ser; replaces proline 82 with serine.
Molecular consequence: missense variant.
Genome position (GRCh38, 1-based): chr13:76,995,133, C>T. VCF-style: chr13-76995133-C-T. GRCh37 (hg19) VCF-style: chr13-77569268-C-T.
Other names: c.244C>T, p.Pro82Ser (NM_001366624.2); short protein forms P131S, P82S.
Identifiers: ClinVar variation 1718873 (VCV001718873.5), dbSNP rs1031686982, ClinGen allele CA252176345.

ClinVar aggregate classification (germline): Uncertain significance (1 of 4 stars; one submission).

Conditions:
Neuronal ceroid lipofuscinosis. Also called: Neuronal Ceroid Lipofuscinoses. Identifiers: Orphanet 216, Orphanet 79263, MedGen C0027877, MONDO:0016295. Disease mechanism: loss of function.

Allele frequency attached by ClinVar (database versions not stated): TOPMed 0.00001.

Submission:

Labcorp Genetics (formerly Invitae), Labcorp
Classification: Uncertain significance for Neuronal ceroid lipofuscinosis. Last evaluated: 2022-07-14. Review status: criteria provided, single submitter. Criteria: Invitae Variant Classification Sherloc (09022015). Collection method: clinical testing. Allele origin: germline.
Comment: This variant is not present in population databases (gnomAD no frequency). This sequence change replaces proline, which is neutral and non-polar, with serine, which is neutral and polar, at codon 131 of the CLN5 protein (p.Pro131Ser). This variant has not been reported in the literature in individuals affected with CLN5-related conditions. Algorithms developed to predict the effect of missense changes on protein structure and function output the following: SIFT: "Tolerated"; PolyPhen-2: "Benign"; Align-GVGD: "Class C0". The serine amino acid residue is found in multiple mammalian species, which suggests that this missense change does not adversely affect protein function. In summary, the available evidence is currently insufficient to determine the role of this variant in disease. Therefore, it has been classified as a Variant of Uncertain Significance.